The following is an entry in ClinVar:

NM_000810.4(GABRA5):c.551C>T (p.Ala184Val)

Gene: GABRA5 (gamma-aminobutyric acid type A receptor subunit alpha5; plus strand). Cytogenetic location: 15q12.
Variant type: single nucleotide variant.
Coding change: c.551C>T on transcript NM_000810.4 (MANE Select); coding-DNA position 551, C replaced by T.
Protein change: p.Ala184Val; replaces alanine 184 with valine.
Molecular consequence: missense variant.
Genome position (GRCh38, 1-based): chr15:26,914,856, C>T. VCF-style: chr15-26914856-C-T. GRCh37 (hg19) VCF-style: chr15-27160003-C-T.
Other names: c.551C>T, p.Ala184Val (NM_001165037.2); short protein forms A184V.
Identifiers: ClinVar variation 3067828 (VCV003067828.2), dbSNP rs1479609899, ClinGen allele CA391458295.

ClinVar aggregate classification (germline): Uncertain significance. Review status: criteria provided, single submitter (1 of 4 stars). 2 submissions from 2 submitters: Uncertain significance (1). 1 of the submissions does not count toward it. Last evaluated 2024-04-04.

Conditions:
Developmental and epileptic encephalopathy, 79. Also called: EPILEPTIC ENCEPHALOPATHY, EARLY INFANTILE, 79. Identifiers: MedGen C5231410, MONDO:0032813, OMIM 618559.

Allele frequency attached by ClinVar (database versions not stated): TOPMed 0.00001; gnomAD 0.00001; gnomAD exomes 0.00001.
gnomAD v4.1: 23 of 1,613,800 alleles (0.0014%); highest among the groups gnomAD compares: Non-Finnish European, 0.0017%; no homozygotes.

Submissions (2):

Genomic Medicine Center of Excellence, King Faisal Specialist Hospital and Research Centre
Classification: Uncertain significance for Developmental and epileptic encephalopathy, 79. Last evaluated: 2024-04-04. Review status: criteria provided, single submitter. Criteria: ACMG Guidelines, 2015. Collection method: clinical testing. Allele origin: germline.

Diagnostics Centre, Carl Von Ossietzky University Oldenburg
Classification: Uncertain significance for Developmental and epileptic encephalopathy, 79. Last evaluated: 2025-04-01. Review status: no assertion criteria provided. Collection method: clinical testing. Allele origin: germline. Affected: yes. Observed: 1 variant allele. Not counted in ClinVar's aggregate classification.
Comment: The variant GABRA5:c.551C>T p.Ala184Val, located in the coding exon 7 of GABRA5 gene, results from an cytosine to thymine substitution at nucleotide position c.551. The alanine residue at protein position 184 is replaced by a valine. Missense variants in this gene or the affected region are a known disease mechanism and are rare in the general population. The affected protein region has significant levels of missense constrain. This variant is classified as rare in the overall population (MAF 1.4 * e-5 in gnomAD, v4.1.0). This change is assessed as tolerated by in silico tools (REVEL = 0.26). The variant has been classified as a variant of uncertain significance in one entry in ClinVar (ClinVar ID: 3067828). In summary, the variant is classified as variant of uncertain significance.